The following is an entry in ClinVar:

ClinVar aggregate classification (germline): Uncertain significance (1 of 4 stars; one submission).

Submission:

Labcorp Genetics (formerly Invitae), Labcorp
Classification: Uncertain significance. Last evaluated: 2021-11-24. Review status: criteria provided, single submitter. Criteria: Invitae Variant Classification Sherloc (09022015). Collection method: clinical testing. Allele origin: germline.
Comment: This sequence change replaces phenylalanine, which is neutral and non-polar, with leucine, which is neutral and non-polar, at codon 322 of the VPS33A protein (p.Phe322Leu). In summary, the available evidence is currently insufficient to determine the role of this variant in disease. Therefore, it has been classified as a Variant of Uncertain Significance. Algorithms developed to predict the effect of missense changes on protein structure and function (SIFT, PolyPhen-2, Align-GVGD) all suggest that this variant is likely to be tolerated. This variant has not been reported in the literature in individuals affected with VPS33A-related conditions. This variant is not present in population databases (gnomAD no frequency).

NM_022916.6(VPS33A):c.966C>G (p.Phe322Leu)

Gene: VPS33A (VPS33A core subunit of CORVET and HOPS complexes; minus strand). Cytogenetic location: 12q24.31.
Variant type: single nucleotide variant.
Coding change: c.966C>G on transcript NM_022916.6 (MANE Select); coding-DNA position 966, C replaced by G.
Protein change: p.Phe322Leu; replaces phenylalanine 322 with leucine.
Molecular consequence: missense variant. On other transcripts: intron variant (1).
Genome position (GRCh38, 1-based): chr12:122,244,572, G>C on the plus strand (C>G on the coding strand, the complement: VPS33A is on the minus strand). VCF-style: chr12-122244572-G-C. GRCh37 (hg19) VCF-style: chr12-122729119-G-C.
Other names: c.933C>G, p.Phe311Leu (NM_001351018.2); c.918C>G, p.Phe306Leu (NM_001351019.2); c.776-4627C>G (NM_001351020.2); short protein forms F306L, F311L, F322L.
Identifiers: ClinVar variation 1475516 (VCV001475516.6), dbSNP rs763113271, ClinGen allele CA387054258.
Genomic context (GRCh38, chr12:122,244,572, plus strand): 5'-GGGTGGGCATCTACCTGAGGCCTAGAGTTGCAGAATGACACCCAAAACTTGCCTCACCTC[G>C]AATGCTGCAGAGATGATCTTTGCTTTCTTGCTGAGCACAGAGCCAACTGCGTTGAAGTTC-3'
Protein context (NP_075067.2, residues 312-332): SKKAKIISAA[Phe322Leu]EERHNAKTVG